The following is an entry in ClinVar:

NM_000218.3(KCNQ1):c.835T>A (p.Phe279Ile)

Gene: KCNQ1 (potassium voltage-gated channel subfamily Q member 1; plus strand). Cytogenetic location: 11p15.5.
Variant type: single nucleotide variant.
Coding change: c.835T>A on transcript NM_000218.3 (MANE Select); coding-DNA position 835, T replaced by A.
Protein change: p.Phe279Ile; replaces phenylalanine 279 with isoleucine.
Molecular consequence: missense variant.
Genome position (GRCh38, 1-based): chr11:2,572,900, T>A. VCF-style: chr11-2572900-T-A. GRCh37 (hg19) VCF-style: chr11-2594130-T-A.
Other names: c.835T>A, p.Phe279Ile (NM_001406836.1); c.565T>A, p.Phe189Ile (NM_001406837.1); c.454T>A, p.Phe152Ile (NM_181798.2); short protein forms F279I, F152I, F189I.
Identifiers: ClinVar variation 375594 (VCV000375594.4), dbSNP rs1057519584, ClinGen allele CA16044372.

ClinVar aggregate classification (germline): Uncertain significance. Review status: criteria provided, single submitter (1 of 4 stars). 2 submissions from 2 submitters: Uncertain significance (1). 1 of the submissions does not count toward it. Last evaluated 2026-07-20.

Conditions:
Cardiovascular phenotype. Identifiers: MedGen CN230736.
Short QT syndrome type 2. Identifiers: Orphanet 51083, MedGen C1865019, MONDO:0012313, OMIM 609621.

Allele frequency attached by ClinVar (database versions not stated): gnomAD exomes below 0.00001.
gnomAD v4.1: 2 of 1,613,828 alleles (0.00012%); highest among the groups gnomAD compares: South Asian, 0.0022%; no homozygotes.

Submissions (2):

Ambry Genetics
Classification: Uncertain significance for Cardiovascular phenotype. Last evaluated: 2026-07-20. Review status: criteria provided, single submitter. Criteria: Ambry Variant Classification Scheme 2023. Collection method: clinical testing. Allele origin: germline.
Comment: The p.F279I variant (also known as c.835T>A), located in coding exon 6 of the KCNQ1 gene, results from a T to A substitution at nucleotide position 835. The phenylalanine at codon 279 is replaced by isoleucine, an amino acid with highly similar properties. This variant was reported in individual(s) with features consistent with long QT syndrome and short QT syndrome (Moreno C et al. Cardiovasc Res, 2015 Sep;107:613-23; Young WJ et al. Heart Rhythm, 2024 Jun;21:903-910). Functional studies suggest this variant may impact channel function; however, some study results were not concordant, and additional evidence is needed to confirm the findings (Moreno C et al. Cardiovasc Res, 2015 Sep;107:613-23; Vanoye CG et al. Circ Genom Precis Med, 2018 Nov;11:e002345; Huang H et al. J Biol Chem, 2021 Feb;296:100423). This amino acid position is highly conserved in available vertebrate species. In addition, this alteration is predicted to be deleterious by in silico analysis. Based on the available evidence, the clinical significance of this variant remains unclear.

OMIM
Classification: Pathogenic for SHORT QT SYNDROME 2. Last evaluated: 2017-02-09. Review status: no assertion criteria provided. Collection method: literature only. Allele origin: germline. Not counted in ClinVar's aggregate classification.

Literature cited by the submitters: PubMed 26168993 (cited by Ambry Genetics and OMIM); PubMed 30571187 (cited by Ambry Genetics); PubMed 31236320 (cited by Ambry Genetics); PubMed 32797034 (cited by Ambry Genetics); PubMed 33600800 (cited by Ambry Genetics); PubMed 37108427 (cited by Ambry Genetics); PubMed 38218330 (cited by Ambry Genetics).